The following is an entry in ClinVar:

NM_001032283.3(TMPO):c.565+2353A>G

Gene: TMPO (thymopoietin; plus strand). Cytogenetic location: 12q23.1.
Variant type: single nucleotide variant.
Coding change: c.565+2353A>G on transcript NM_001032283.3 (MANE Select); 2353 bases into the intron after coding-DNA position 565, A replaced by G.
Molecular consequence: intron variant. On other transcripts: missense variant (1).
Genome position (GRCh38, 1-based): chr12:98,534,191, A>G. VCF-style: chr12-98534191-A-G. GRCh37 (hg19) VCF-style: chr12-98927969-A-G.
Other names: c.1934A>G, p.Asn645Ser (NM_003276.2); c.565+2353A>G (NM_001307975.2, NM_001032284.3); short protein forms N645S.
Identifiers: ClinVar variation 658170 (VCV000658170.10), dbSNP rs1335078305, ClinGen allele CA386154250.
Genomic context (GRCh38, chr12:98,534,191, plus strand): 5'-CCTCATATATTTGTGAAGCTGCATTTGATGAAGTGAAGATGGCTGCCCATACCATGGGAA[A>G]TGCCACTGTAGGTCGTCGATACCTCTGGCTGAAGGATTGCAAAATTAATTTAGCTTCTAA-3'

ClinVar aggregate classification (germline): Conflicting classifications of pathogenicity. Review status: criteria provided, conflicting classifications (1 of 4 stars). 2 submissions from 2 submitters: Uncertain significance (1); Likely benign (1). Last evaluated 2025-07-12.

Conditions:
Loeys-Dietz syndrome 2 (LDS2). Also called: AORTIC ANEURYSM, FAMILIAL THORACIC 3; MARFAN SYNDROME, TYPE II; Marfan syndrome, type 2 (formerly); TGFBR2-Related Loeys-Dietz Syndrome; Marfan Syndrome type 2; Marfan like connective tissue disorder. Identifiers: Orphanet 284973, Orphanet 558, MedGen C2674574, MONDO:0012427, OMIM 610168.

Allele frequency attached by ClinVar (database versions not stated): gnomAD exomes below 0.00001.
gnomAD v4.1: 3 of 1,614,012 alleles (0.00019%); highest among the groups gnomAD compares: Non-Finnish European, 0.00017%; no homozygotes.

Submissions (2):

Ambry Genetics
Classification: Likely benign. Last evaluated: 2025-07-12. Review status: criteria provided, single submitter. Criteria: Ambry Variant Classification Scheme 2023. Collection method: clinical testing. Allele origin: germline.

Labcorp Genetics (formerly Invitae), Labcorp
Classification: Uncertain significance for Loeys-Dietz syndrome 2. Last evaluated: 2018-09-26. Review status: criteria provided, single submitter. Criteria: Invitae Variant Classification Sherloc (09022015). Collection method: clinical testing. Allele origin: germline.
Comment: This sequence change replaces asparagine with serine at codon 645 of the TMPO protein (p.Asn645Ser). The asparagine residue is weakly conserved and there is a small physicochemical difference between asparagine and serine. This variant is not present in population databases (ExAC no frequency). This variant has not been reported in the literature in individuals with TMPO-related disease. Algorithms developed to predict the effect of missense changes on protein structure and function output the following: SIFT: "Tolerated"; PolyPhen-2: "Benign"; Align-GVGD: "Class C0". The serine amino acid residue is found in multiple mammalian species, suggesting that this missense change does not adversely affect protein function. These predictions have not been confirmed by published functional studies and their clinical significance is uncertain. In summary, the available evidence is currently insufficient to determine the role of this variant in disease. Therefore, it has been classified as a Variant of Uncertain Significance.